The following is an entry in ClinVar:

NM_001042492.3(NF1):c.3007_3008delinsTA (p.Gly1003Ter)

Gene: NF1 (neurofibromin 1; plus strand). Cytogenetic location: 17q11.2.
Variant type: Indel.
Coding change: c.3007_3008delinsTA on transcript NM_001042492.3 (MANE Select); coding-DNA positions 3007 to 3008, GG replaced by TA.
Protein change: p.Gly1003Ter; replaces glycine 1003 with a stop codon.
Molecular consequence: nonsense.
Genome position (GRCh38, 1-based): chr17:31,230,276-31,230,277, GG replaced by TA. VCF-style: chr17-31230276-GG-TA. GRCh37 (hg19) VCF-style: chr17-29557294-GG-TA.
Other names: c.3007_3008delGGinsTA (NM_000267.3); c.3007_3008delGGinsTA, p.Gly1003Ter (NM_000267.4); short protein forms G1003*.
Identifiers: ClinVar variation 817565 (VCV000817565.1), dbSNP rs1597716834, ClinGen allele CA915949834.
Genomic context (GRCh38, chr17:31,230,276, plus strand): 5'-TGTCTATATCTGATAATTTTTTTATTGTTTCTATGTCTATATAGGTATGTTCGTGTGCTT[GG>TA]GAATATGGTCCATGCAATTCAAATAAAAACGAAACTGTGTCAATTAGTTGAAGTAATGAT-3'

ClinVar aggregate classification (germline): Pathogenic (1 of 4 stars; one submission).

Submission:

GeneDx
Classification: Pathogenic. Last evaluated: 2018-10-09. Review status: criteria provided, single submitter. Criteria: GeneDx Variant Classification (06012015). Collection method: clinical testing. Allele origin: germline. Affected: yes.
Comment: The c.3007_3008delGGinsTA (G1003X) variant has not been published as a pathogenic variant, nor has it been reported as a benign variant to our knowledge. The variant is not observed in large population cohorts (Lek et al., 2016). This nonsense variant is predicted to cause loss of normal protein function either through protein truncation or nonsense-mediated mRNA decay. We consider this variant to be pathogenic.